The following is an entry in ClinVar:

ClinVar aggregate classification (germline): Likely benign. Review status: criteria provided, multiple submitters, no conflicts (2 of 4 stars). 4 submissions from 4 submitters: Likely benign (3). 1 of the submissions does not count toward it. Last evaluated 2025-11-27.

Conditions:
Ullrich congenital muscular dystrophy 2 (UCMD2). Identifiers: Orphanet 75840, MedGen C4225314, MONDO:0014654, OMIM 616470.
Bethlem myopathy 2 (BTHLM2). Identifiers: Orphanet 536516, Orphanet 610, MedGen C4225313, MONDO:0034022, OMIM 616471.
COL12A1-related disorder. Also called: COL12A1-related condition.

Allele frequency attached by ClinVar (database versions not stated): ExAC 0.00034; gnomAD 0.00096 and 0.00101; TOPMed 0.00103; ESP Exome Variant Server 0.00111; 1000 Genomes Project 0.00140; 1000 Genomes Project 30x 0.00187; gnomAD exomes 0.00006 and 0.00021.
gnomAD v4.1: 253 of 1,603,928 alleles (0.016%); highest among the groups gnomAD compares: African/African-American, 0.29%; no homozygotes.

Submissions (4):

Labcorp Genetics (formerly Invitae), Labcorp
Classification: Likely benign for Bethlem myopathy 2; Ullrich congenital muscular dystrophy 2. Last evaluated: 2025-11-27. Review status: criteria provided, single submitter. Criteria: Invitae Variant Classification Sherloc (09022015). Collection method: clinical testing. Allele origin: germline.

Mayo Clinic Laboratories, Mayo Clinic
Classification: Likely benign. Last evaluated: 2025-06-12. Review status: criteria provided, single submitter. Criteria: ACMG Guidelines, 2015. Collection method: clinical testing. Allele origin: germline. Observed: 2 variant alleles.
Comment: BS1, BP4

GeneDx
Classification: Likely benign. Last evaluated: 2021-03-23. Review status: criteria provided, single submitter. Criteria: GeneDx Variant Classification Process June 2021. Collection method: clinical testing. Allele origin: germline. Affected: yes.

PreventionGenetics, part of Exact Sciences
Classification: Likely benign for COL12A1-related condition. Last evaluated: 2020-01-06. Review status: no assertion criteria provided. Collection method: clinical testing. Allele origin: germline. Not counted in ClinVar's aggregate classification.
Comment: This variant is classified as likely benign based on ACMG/AMP sequence variant interpretation guidelines (Richards et al. 2015 PMID: 25741868, with internal and published modifications).

NM_004370.6(COL12A1):c.7990A>G (p.Ile2664Val)

Gene: COL12A1 (collagen type XII alpha 1 chain; minus strand). Cytogenetic location: 6q13.
Variant type: single nucleotide variant.
Coding change: c.7990A>G on transcript NM_004370.6 (MANE Select); coding-DNA position 7990, A replaced by G.
Protein change: p.Ile2664Val; replaces isoleucine 2664 with valine.
Molecular consequence: missense variant.
Genome position (GRCh38, 1-based): chr6:75,109,128, T>C on the plus strand (A>G on the coding strand, the complement: COL12A1 is on the minus strand). VCF-style: chr6-75109128-T-C. GRCh37 (hg19) VCF-style: chr6-75818844-T-C.
Other names: p.Ile2664Val; c.4498A>G, p.Ile1500Val (NM_080645.3); short protein forms I2664V, I1500V.
Identifiers: ClinVar variation 475897 (VCV000475897.17), dbSNP rs41266763, ClinGen allele CA3892398.
Genomic context (GRCh38, chr6:75,109,128, plus strand): 5'-CATCAGTTGTTATATTTCCAGCTTCCTTGATGTCTTTTTCTATAATTTCATAGCAGTCAA[T>C]GTAAATCTTAACACTTTTTGAGGTCACTACAATATGAACCTAAAAAGATAATTTGTTTCC-3'
Protein context (NP_004361.3, residues 2654-2674): VVTSKSVKIY[Ile2664Val]DCYEIIEKDI